The following is an entry in ClinVar:

ClinVar aggregate classification (germline): Conflicting classifications of pathogenicity. Review status: criteria provided, conflicting classifications (1 of 4 stars). 3 submissions from 3 submitters: Uncertain significance (1); Likely benign (2). Last evaluated 2025-07-13.

Allele frequency attached by ClinVar (database versions not stated): TOPMed 0.00002; gnomAD 0.00003; ExAC 0.00005.
gnomAD v4.1: 89 of 1,613,754 alleles (0.0055%); highest among the groups gnomAD compares: Non-Finnish European, 0.0069%; no homozygotes.

Submissions (3):

Labcorp Genetics (formerly Invitae), Labcorp
Classification: Likely benign. Last evaluated: 2025-07-13. Review status: criteria provided, single submitter. Criteria: Invitae Variant Classification Sherloc (09022015). Collection method: clinical testing. Allele origin: germline.

Blueprint Genetics
Classification: Likely benign. Last evaluated: 2022-04-27. Review status: criteria provided, single submitter. Criteria: ACMG Guidelines, 2015. Collection method: clinical testing. Allele origin: germline.

GeneDx
Classification: Uncertain significance. Last evaluated: 2019-05-16. Review status: criteria provided, single submitter. Criteria: GeneDx Variant Classification Process June 2021. Collection method: clinical testing. Allele origin: germline. Affected: yes.
Comment: Has not been previously published as pathogenic or benign to our knowledge; In-silico analysis suggests this variant may create a cryptic splice donor site; however, this nucleotide is not evolutionary conserved and thymine (T) is wildtype in multiple species. In the absence of RNA/functional studies, the actual effect of this sequence change is unknown.

NM_001844.5(COL2A1):c.2259C>T (p.Gly753=)

Gene: COL2A1 (collagen type II alpha 1 chain; minus strand). Cytogenetic location: 12q13.11.
Variant type: single nucleotide variant.
Coding change: c.2259C>T on transcript NM_001844.5 (MANE Select); coding-DNA position 2259, C replaced by T.
Protein change: p.Gly753=; no amino-acid change (glycine 753 retained).
Molecular consequence: synonymous variant.
Genome position (GRCh38, 1-based): chr12:47,982,544, G>A on the plus strand (C>T on the coding strand, the complement: COL2A1 is on the minus strand). VCF-style: chr12-47982544-G-A. GRCh37 (hg19) VCF-style: chr12-48376327-G-A.
Other names: c.2052C>T, p.Gly684= (NM_033150.3).
Identifiers: ClinVar variation 1305920 (VCV001305920.8), dbSNP rs781062223, ClinGen allele CA6535168.